The following is an entry in ClinVar:

ClinVar aggregate classification (germline): Uncertain significance (1 of 4 stars; one submission).

Conditions:
Atrioventricular septal defect, susceptibility to, 2. Identifiers: MedGen C1853508, MONDO:0011650, OMIM 606217.

Allele frequency attached by ClinVar (database versions not stated): gnomAD 0.00006.
gnomAD v4.1: 95 of 1,614,064 alleles (0.0059%); highest among the groups gnomAD compares: East Asian, 0.011%; no homozygotes.

Submission:

Labcorp Genetics (formerly Invitae), Labcorp
Classification: Uncertain significance for Atrioventricular septal defect, susceptibility to, 2. Last evaluated: 2022-06-27. Review status: criteria provided, single submitter. Criteria: Invitae Variant Classification Sherloc (09022015). Collection method: clinical testing. Allele origin: germline.
Comment: This sequence change replaces glycine, which is neutral and non-polar, with serine, which is neutral and polar, at codon 327 of the CRELD1 protein (p.Gly327Ser). In summary, the available evidence is currently insufficient to determine the role of this variant in disease. Therefore, it has been classified as a Variant of Uncertain Significance. Algorithms developed to predict the effect of missense changes on protein structure and function output the following: SIFT: "Tolerated"; PolyPhen-2: "Benign"; Align-GVGD: "Class C0". The serine amino acid residue is found in multiple mammalian species, which suggests that this missense change does not adversely affect protein function. This variant has not been reported in the literature in individuals affected with CRELD1-related conditions. This variant is present in population databases (rs771191734, gnomAD 0.02%).

NM_001077415.3(CRELD1):c.979G>A (p.Gly327Ser)

Gene: CRELD1 (CRELD disulfide isomerase 1; plus strand). Cytogenetic location: 3p25.3.
Variant type: single nucleotide variant.
Coding change: c.979G>A on transcript NM_001077415.3 (MANE Select); coding-DNA position 979, G replaced by A.
Protein change: p.Gly327Ser; replaces glycine 327 with serine.
Molecular consequence: missense variant. On other transcripts: non-coding transcript variant (3).
Genome position (GRCh38, 1-based): chr3:9,943,446, G>A. VCF-style: chr3-9943446-G-A. GRCh37 (hg19) VCF-style: chr3-9985130-G-A.
Other names: c.979G>A, p.Gly327Ser (NM_001031717.4, NM_001374316.1, NM_001374317.1 and 2 more transcripts); c.895G>A, p.Gly299Ser (NM_001374319.1, NM_001374320.1); short protein forms G327S, G299S.
Identifiers: ClinVar variation 1397145 (VCV001397145.6), dbSNP rs771191734, ClinGen allele CA2247882.